The following is an entry in ClinVar:

NM_000245.4(MET):c.1084A>G (p.Met362Val)

Gene: MET (MET proto-oncogene, receptor tyrosine kinase; plus strand). Cytogenetic location: 7q31.2.
Variant type: single nucleotide variant.
Coding change: c.1084A>G on transcript NM_000245.4 (MANE Select); coding-DNA position 1084, A replaced by G.
Protein change: p.Met362Val; replaces methionine 362 with valine.
Molecular consequence: missense variant. On other transcripts: intron variant (1).
Genome position (GRCh38, 1-based): chr7:116,700,168, A>G. VCF-style: chr7-116700168-A-G. GRCh37 (hg19) VCF-style: chr7-116340222-A-G.
Other names: c.1084A>G, p.Met362Val (NM_001127500.3, NM_001324401.3); c.-91+27591A>G (NM_001324402.2); short protein forms M362V.
Identifiers: ClinVar variation 1787206 (VCV001787206.5), dbSNP rs1791519202, ClinGen allele CA368970499.

ClinVar aggregate classification (germline): Conflicting classifications of pathogenicity. Review status: criteria provided, conflicting classifications (1 of 4 stars). 2 submissions from 2 submitters: Uncertain significance (1); Likely benign (1). Last evaluated 2023-10-29.

Conditions:
Hereditary cancer-predisposing syndrome. Also called: Neoplastic Syndromes, Hereditary; Tumor predisposition; Hereditary Cancer Syndrome; Hereditary neoplastic syndrome. Identifiers: Orphanet 140162, MedGen C0027672, MeSH D009386, MONDO:0015356.
Renal cell carcinoma. Identifiers: Orphanet 217071, MedGen C0007134, MeSH D002292, MONDO:0005086, HP:0005584.

Submissions (2):

Labcorp Genetics (formerly Invitae), Labcorp
Classification: Uncertain significance for Renal cell carcinoma. Last evaluated: 2023-10-29. Review status: criteria provided, single submitter. Criteria: Invitae Variant Classification Sherloc (09022015). Collection method: clinical testing. Allele origin: germline.
Comment: This sequence change replaces methionine, which is neutral and non-polar, with valine, which is neutral and non-polar, at codon 362 of the MET protein (p.Met362Val). This variant is not present in population databases (gnomAD no frequency). This variant has not been reported in the literature in individuals affected with MET-related conditions. ClinVar contains an entry for this variant (Variation ID: 1787206). Advanced modeling of protein sequence and biophysical properties (such as structural, functional, and spatial information, amino acid conservation, physicochemical variation, residue mobility, and thermodynamic stability) performed at Invitae indicates that this missense variant is not expected to disrupt MET protein function with a negative predictive value of 80%. In summary, the available evidence is currently insufficient to determine the role of this variant in disease. Therefore, it has been classified as a Variant of Uncertain Significance.

Ambry Genetics
Classification: Likely benign for Hereditary cancer-predisposing syndrome. Last evaluated: 2022-01-12. Review status: criteria provided, single submitter. Criteria: Ambry Variant Classification Scheme 2023. Collection method: clinical testing. Allele origin: germline.